The following is an entry in ClinVar:

NM_001378778.1(MPDZ):c.1000G>A (p.Ala334Thr)

Gene: MPDZ (multiple PDZ domain crumbs cell polarity complex component; minus strand). Cytogenetic location: 9p23.
Variant type: single nucleotide variant.
Coding change: c.1000G>A on transcript NM_001378778.1 (MANE Select); coding-DNA position 1000, G replaced by A.
Protein change: p.Ala334Thr; replaces alanine 334 with threonine.
Molecular consequence: missense variant.
Genome position (GRCh38, 1-based): chr9:13,219,645, C>T on the plus strand (G>A on the coding strand, the complement: MPDZ is on the minus strand). VCF-style: chr9-13219645-C-T. GRCh37 (hg19) VCF-style: chr9-13219644-C-T.
Other names: c.1000G>A (NM_003829.3); c.1000G>A, p.Ala334Thr (NM_001261406.2, NM_001261407.2, NM_001330637.2 and 14 more transcripts); short protein forms A334T.
Identifiers: ClinVar variation 1408857 (VCV001408857.9), dbSNP rs771022245, ClinGen allele CA4987943.
Genomic context (GRCh38, chr9:13,219,645, plus strand): 5'-ATGAGGAGAGGGTGATGCCCAAAGCAGTGGGTGCTGTACGTTCTTCTATGGCACCTCTTG[C>T]AATCATCAACTTAACTCTATTTCCACATTGCCTAAGGACTTGTGCTACTTGCTCACTGCT-3'
Protein context (NP_001365707.1, residues 324-344): QCGNRVKLMI[Ala334Thr]RGAIEERTAP

ClinVar aggregate classification (germline): Uncertain significance. Review status: criteria provided, multiple submitters, no conflicts (2 of 4 stars). 2 submissions from 2 submitters: Uncertain significance (2). Last evaluated 2024-03-15.

Conditions:
Inborn genetic diseases. Identifiers: MedGen C0950123, MeSH D030342.

Allele frequency attached by ClinVar (database versions not stated): gnomAD exomes below 0.00001; TOPMed below 0.00001; ExAC 0.00001.
gnomAD v4.1: 2 of 1,612,678 alleles (0.00012%); highest among the groups gnomAD compares: East Asian, 0.0045%; no homozygotes.

Submissions (2):

Ambry Genetics
Classification: Uncertain significance for Inborn genetic diseases. Last evaluated: 2024-03-15. Review status: criteria provided, single submitter. Criteria: Ambry Variant Classification Scheme 2023. Collection method: clinical testing. Allele origin: germline.

Labcorp Genetics (formerly Invitae), Labcorp
Classification: Uncertain significance. Last evaluated: 2022-11-01. Review status: criteria provided, single submitter. Criteria: Invitae Variant Classification Sherloc (09022015). Collection method: clinical testing. Allele origin: germline.
Comment: This sequence change replaces alanine, which is neutral and non-polar, with threonine, which is neutral and polar, at codon 334 of the MPDZ protein (p.Ala334Thr). This variant is present in population databases (rs771022245, gnomAD 0.006%). This variant has not been reported in the literature in individuals affected with MPDZ-related conditions. ClinVar contains an entry for this variant (Variation ID: 1408857). Algorithms developed to predict the effect of missense changes on protein structure and function (SIFT, PolyPhen-2, Align-GVGD) all suggest that this variant is likely to be disruptive. In summary, the available evidence is currently insufficient to determine the role of this variant in disease. Therefore, it has been classified as a Variant of Uncertain Significance.